The following is an entry in ClinVar:

ClinVar aggregate classification (germline): Uncertain significance. Review status: criteria provided, multiple submitters, no conflicts (2 of 4 stars). 2 submissions from 2 submitters: Uncertain significance (2). Last evaluated 2025-03-02.

Conditions:
Hereditary cancer-predisposing syndrome. Also called: Tumor predisposition; Hereditary Cancer Syndrome; Hereditary neoplastic syndrome; Neoplastic Syndromes, Hereditary. Identifiers: Orphanet 140162, MedGen C0027672, MeSH D009386, MONDO:0015356.
Bloom syndrome (BLM). Also called: Bloom-Torre-Machacek syndrome. Identifiers: Orphanet 125, MedGen C0005859, MONDO:0008876, OMIM 210900.

Submissions (2):

Ambry Genetics
Classification: Uncertain significance for Hereditary cancer-predisposing syndrome. Last evaluated: 2025-03-02. Review status: criteria provided, single submitter. Criteria: Ambry Variant Classification Scheme 2023. Collection method: clinical testing. Allele origin: germline.
Comment: The p.A1312V variant (also known as c.3935C>T), located in coding exon 20 of the BLM gene, results from a C to T substitution at nucleotide position 3935. The alanine at codon 1312 is replaced by valine, an amino acid with similar properties. This amino acid position is conserved. In addition, this alteration is predicted to be tolerated by in silico analysis. Based on the available evidence, the clinical significance of this variant remains unclear.

Labcorp Genetics (formerly Invitae), Labcorp
Classification: Uncertain significance for Bloom syndrome. Last evaluated: 2021-04-11. Review status: criteria provided, single submitter. Criteria: Invitae Variant Classification Sherloc (09022015). Collection method: clinical testing. Allele origin: germline.
Comment: In summary, the available evidence is currently insufficient to determine the role of this variant in disease. Therefore, it has been classified as a Variant of Uncertain Significance. This sequence change replaces alanine with valine at codon 1312 of the BLM protein (p.Ala1312Val). The alanine residue is weakly conserved and there is a small physicochemical difference between alanine and valine. This variant is not present in population databases (ExAC no frequency). This variant has not been reported in the literature in individuals with BLM-related conditions. Algorithms developed to predict the effect of missense changes on protein structure and function (SIFT, PolyPhen-2, Align-GVGD) all suggest that this variant is likely to be tolerated, but these predictions have not been confirmed by published functional studies and their clinical significance is uncertain.

NM_000057.4(BLM):c.3935C>T (p.Ala1312Val)

Gene: BLM (BLM RecQ like helicase; plus strand). Cytogenetic location: 15q26.1.
Variant type: single nucleotide variant.
Coding change: c.3935C>T on transcript NM_000057.4 (MANE Select); coding-DNA position 3935, C replaced by T.
Protein change: p.Ala1312Val; replaces alanine 1312 with valine.
Molecular consequence: missense variant.
Genome position (GRCh38, 1-based): chr15:90,811,265, C>T. VCF-style: chr15-90811265-C-T. GRCh37 (hg19) VCF-style: chr15-91354495-C-T.
Other names: c.3935C>T, p.Ala1312Val (NM_001287246.2); c.3542C>T, p.Ala1181Val (NM_001287247.2); c.2810C>T, p.Ala937Val (NM_001287248.2); c.3935C>T (NM_000057.2); short protein forms A1181V, A937V, A1312V.
Identifiers: ClinVar variation 1481647 (VCV001481647.9), dbSNP rs2151199800, ClinGen allele CA393850717.